The following is an entry in ClinVar:

ClinVar aggregate classification (germline): Uncertain significance (1 of 4 stars; one submission).

Allele frequency attached by ClinVar (database versions not stated): TOPMed 0.00001; gnomAD 0.00003.
gnomAD v4.1: 5 of 1,612,940 alleles (0.00031%); highest among the groups gnomAD compares: African/African-American, 0.0067%; no homozygotes.

Submission:

Labcorp Genetics (formerly Invitae), Labcorp
Classification: Uncertain significance. Last evaluated: 2023-05-01. Review status: criteria provided, single submitter. Criteria: Invitae Variant Classification Sherloc (09022015). Collection method: clinical testing. Allele origin: germline.
Comment: This sequence change replaces alanine, which is neutral and non-polar, with glycine, which is neutral and non-polar, at codon 11 of the ARHGEF1 protein (p.Ala11Gly). This variant is not present in population databases (gnomAD no frequency). This variant has not been reported in the literature in individuals affected with ARHGEF1-related conditions. An algorithm developed to predict the effect of missense changes on protein structure and function (PolyPhen-2) suggests that this variant is likely to be tolerated. In summary, the available evidence is currently insufficient to determine the role of this variant in disease. Therefore, it has been classified as a Variant of Uncertain Significance.

NM_004706.4(ARHGEF1):c.-14C>G

Gene: ARHGEF1 (Rho guanine nucleotide exchange factor 1; plus strand). Cytogenetic location: 19q13.2.
Variant type: single nucleotide variant.
Coding change: c.-14C>G on transcript NM_004706.4 (MANE Select); 14 bases upstream of the start codon, C replaced by G.
Molecular consequence: 5 prime UTR variant. On other transcripts: missense variant (1), non-coding transcript variant (2).
Genome position (GRCh38, 1-based): chr19:41,888,069, C>G. VCF-style: chr19-41888069-C-G. GRCh37 (hg19) VCF-style: chr19-42392140-C-G.
Other names: c.-14C>G (NM_001396000.1, NM_001396002.1, NM_001396003.1 and 3 more transcripts); c.32C>G, p.Ala11Gly (NM_199002.2); short protein forms A11G.
Identifiers: ClinVar variation 3023433 (VCV003023433.3), dbSNP rs976512203, ClinGen allele CA308580227.